The following is an entry in ClinVar:

ClinVar aggregate classification (germline): Uncertain significance (1 of 4 stars; one submission).

Submission:

Labcorp Genetics (formerly Invitae), Labcorp
Classification: Uncertain significance. Last evaluated: 2022-03-02. Review status: criteria provided, single submitter. Criteria: Invitae Variant Classification Sherloc (09022015). Collection method: clinical testing. Allele origin: germline.
Comment: This variant is not present in population databases (gnomAD no frequency). This sequence change replaces glutamic acid, which is acidic and polar, with lysine, which is basic and polar, at codon 111 of the SLC39A7 protein (p.Glu111Lys). This variant has not been reported in the literature in individuals affected with SLC39A7-related conditions. In summary, the available evidence is currently insufficient to determine the role of this variant in disease. Therefore, it has been classified as a Variant of Uncertain Significance. Algorithms developed to predict the effect of missense changes on protein structure and function output the following: SIFT: "Tolerated"; PolyPhen-2: "Not Available"; Align-GVGD: "Class C0". The lysine amino acid residue is found in multiple mammalian species, which suggests that this missense change does not adversely affect protein function.

NM_006979.3(SLC39A7):c.331G>A (p.Glu111Lys)

Gene: SLC39A7 (solute carrier family 39 member 7; plus strand). Cytogenetic location: 6p21.32.
Variant type: single nucleotide variant.
Coding change: c.331G>A on transcript NM_006979.3 (MANE Select); coding-DNA position 331, G replaced by A.
Protein change: p.Glu111Lys; replaces glutamic acid 111 with lysine.
Molecular consequence: missense variant. On other transcripts: intron variant (1).
Genome position (GRCh38, 1-based): chr6:33,201,576, G>A. VCF-style: chr6-33201576-G-A. GRCh37 (hg19) VCF-style: chr6-33169353-G-A.
Other names: c.331G>A, p.Glu111Lys (NM_001077516.2); c.53-185G>A (NM_001288777.2); short protein forms E111K.
Identifiers: ClinVar variation 1492119 (VCV001492119.8), dbSNP rs2150682061, ClinGen allele CA363636309.